The following is an entry in ClinVar:

ClinVar aggregate classification (germline): Uncertain significance (1 of 4 stars; one submission).

Conditions:
Compton-North congenital myopathy (CMYO12). Identifiers: Orphanet 210163, MedGen C2675527, MONDO:0012929, OMIM 612540.

Allele frequency attached by ClinVar (database versions not stated): gnomAD exomes below 0.00001.
gnomAD v4.1: 1 of 1,612,374 alleles (0.000062%); highest among the groups gnomAD compares: Non-Finnish European, 0.000085%; no homozygotes.

Submission:

Labcorp Genetics (formerly Invitae), Labcorp
Classification: Uncertain significance for Compton-North congenital myopathy. Last evaluated: 2020-02-15. Review status: criteria provided, single submitter. Criteria: Invitae Variant Classification Sherloc (09022015). Collection method: clinical testing. Allele origin: germline.
Comment: This sequence change replaces tyrosine with cysteine at codon 397 of the CNTN1 protein (p.Tyr397Cys). The tyrosine residue is weakly conserved and there is a large physicochemical difference between tyrosine and cysteine. In summary, the available evidence is currently insufficient to determine the role of this variant in disease. Therefore, it has been classified as a Variant of Uncertain Significance. Algorithms developed to predict the effect of missense changes on protein structure and function (SIFT, PolyPhen-2, Align-GVGD) all suggest that this variant is likely to be disruptive, but these predictions have not been confirmed by published functional studies and their clinical significance is uncertain. This variant has not been reported in the literature in individuals with CNTN1-related disease. This variant is not present in population databases (ExAC no frequency).

NM_001843.4(CNTN1):c.1190A>G (p.Tyr397Cys)

Gene: CNTN1 (contactin 1; plus strand). Cytogenetic location: 12q12.
Variant type: single nucleotide variant.
Coding change: c.1190A>G on transcript NM_001843.4 (MANE Select); coding-DNA position 1190, A replaced by G.
Protein change: p.Tyr397Cys; replaces tyrosine 397 with cysteine.
Molecular consequence: missense variant.
Genome position (GRCh38, 1-based): chr12:40,937,649, A>G. VCF-style: chr12-40937649-A-G. GRCh37 (hg19) VCF-style: chr12-41331451-A-G.
Other names: c.1190A>G, p.Tyr397Cys (NM_001256063.2, NM_001256064.2); c.1157A>G, p.Tyr386Cys (NM_175038.2); short protein forms Y397C, Y386C.
Identifiers: ClinVar variation 579040 (VCV000579040.9), dbSNP rs1565989995, ClinGen allele CA384424047.